The following is an entry in ClinVar:

ClinVar aggregate classification (germline): Uncertain significance (1 of 4 stars; one submission).

Conditions:
Chondrodysplasia punctata, brachytelephalangic, autosomal. Also called: BRACHYTELEPHALANGIC CHONDRODYSPLASIA PUNCTATA. Identifiers: MedGen C1844853, MONDO:0011238, OMIM 602497.

Submission:

Labcorp Genetics (formerly Invitae), Labcorp
Classification: Uncertain significance for Chondrodysplasia punctata, brachytelephalangic, autosomal. Last evaluated: 2023-02-21. Review status: criteria provided, single submitter. Criteria: Invitae Variant Classification Sherloc (09022015). Collection method: clinical testing. Allele origin: germline.
Comment: In summary, the available evidence is currently insufficient to determine the role of this variant in disease. Therefore, it has been classified as a Variant of Uncertain Significance. Advanced modeling of protein sequence and biophysical properties (such as structural, functional, and spatial information, amino acid conservation, physicochemical variation, residue mobility, and thermodynamic stability) has been performed at Invitae for this missense variant, however the output from this modeling did not meet the statistical confidence thresholds required to predict the impact of this variant on ARSE protein function. This variant has not been reported in the literature in individuals affected with ARSE-related conditions. This variant is not present in population databases (gnomAD no frequency). This sequence change replaces alanine, which is neutral and non-polar, with threonine, which is neutral and polar, at codon 45 of the ARSE protein (p.Ala45Thr).

NM_000047.3(ARSL):c.133G>A (p.Ala45Thr)

Gene: ARSL (arylsulfatase L; minus strand). Cytogenetic location: Xp22.33.
Variant type: single nucleotide variant.
Coding change: c.133G>A on transcript NM_000047.3 (MANE Select); coding-DNA position 133, G replaced by A.
Protein change: p.Ala45Thr; replaces alanine 45 with threonine.
Molecular consequence: missense variant. On other transcripts: intron variant (1).
Genome position (GRCh38, 1-based): chrX:2,958,326, C>T on the plus strand (G>A on the coding strand, the complement: ARSL is on the minus strand). VCF-style: chrX-2958326-C-T. GRCh37 (hg19) VCF-style: chrX-2876367-C-T.
Other names: c.208G>A, p.Ala70Thr (NM_001282628.2, NM_001369080.1); c.160G>A, p.Ala54Thr (NM_001369079.1); c.23+2052G>A (NM_001282631.2); short protein forms A45T, A54T, A70T.
Identifiers: ClinVar variation 2914309 (VCV002914309.3), dbSNP rs2518385054, ClinGen allele CA412268326.